The following is an entry in ClinVar:

NM_001375380.1(EBF3):c.623T>A (p.Met208Lys)

Gene: EBF3 (EBF transcription factor 3; minus strand). Cytogenetic location: 10q26.3.
Variant type: single nucleotide variant.
Coding change: c.623T>A on transcript NM_001375380.1 (MANE Select); coding-DNA position 623, T replaced by A.
Protein change: p.Met208Lys; replaces methionine 208 with lysine.
Molecular consequence: missense variant.
Genome position (GRCh38, 1-based): chr10:129,877,781, A>T on the plus strand (T>A on the coding strand, the complement: EBF3 is on the minus strand). VCF-style: chr10-129877781-A-T. GRCh37 (hg19) VCF-style: chr10-131676045-A-T.
Other names: c.623T>A, p.Met208Lys (NM_001005463.3, NM_001375379.1, NM_001375389.1 and 3 more transcripts); short protein forms M208K.
Identifiers: ClinVar variation 3372452 (VCV003372452.1).

ClinVar aggregate classification (germline): Uncertain significance (1 of 4 stars; one submission).

Submission:

GeneDx
Classification: Uncertain significance. Last evaluated: 2024-04-11. Review status: criteria provided, single submitter. Criteria: GeneDx Variant Classification Process June 2021. Collection method: clinical testing. Allele origin: germline. Affected: yes.
Comment: Has not been previously published as pathogenic or benign to our knowledge; Not observed at significant frequency in large population cohorts (gnomAD); In silico analysis supports that this missense variant has a deleterious effect on protein structure/function